The following is an entry in ClinVar:

ClinVar aggregate classification (germline): Uncertain significance. Review status: criteria provided, multiple submitters, no conflicts (2 of 4 stars). 2 submissions from 2 submitters: Uncertain significance (2). Last evaluated 2025-05-19.

Conditions:
Alzheimer disease 4 (AD4). Identifiers: Orphanet 1020, MedGen C1847200, MONDO:0011743, OMIM 606889.
Inborn genetic diseases. Identifiers: MedGen C0950123, MeSH D030342.

Allele frequency attached by ClinVar (database versions not stated): gnomAD exomes 0.00002 and 0.00004; ExAC 0.00003; TOPMed 0.00004; ESP Exome Variant Server 0.00015.
gnomAD v4.1: 44 of 1,614,078 alleles (0.0027%); highest among the groups gnomAD compares: African/African-American, 0.008%; no homozygotes.

Submissions (2):

Labcorp Genetics (formerly Invitae), Labcorp
Classification: Uncertain significance for Alzheimer disease 4. Last evaluated: 2025-05-19. Review status: criteria provided, single submitter. Criteria: Invitae Variant Classification Sherloc (09022015). Collection method: clinical testing. Allele origin: germline.
Comment: This sequence change replaces threonine, which is neutral and polar, with methionine, which is neutral and non-polar, at codon 27 of the PSEN2 protein (p.Thr27Met). This variant is present in population databases (rs149354305, gnomAD 0.02%). This variant has not been reported in the literature in individuals affected with PSEN2-related conditions. ClinVar contains an entry for this variant (Variation ID: 855512). An algorithm developed to predict the effect of missense changes on protein structure and function outputs the following: PolyPhen-2: "Benign". The methionine amino acid residue is found in multiple mammalian species, which suggests that this missense change does not adversely affect protein function. In summary, the available evidence is currently insufficient to determine the role of this variant in disease. Therefore, it has been classified as a Variant of Uncertain Significance.

Ambry Genetics
Classification: Uncertain significance for Inborn genetic diseases. Last evaluated: 2022-10-25. Review status: criteria provided, single submitter. Criteria: Ambry Variant Classification Scheme 2023. Collection method: clinical testing. Allele origin: germline.

NM_000447.3(PSEN2):c.80C>T (p.Thr27Met)

Gene: PSEN2 (presenilin 2; plus strand). Cytogenetic location: 1q42.13.
Variant type: single nucleotide variant.
Coding change: c.80C>T on transcript NM_000447.3 (MANE Select); coding-DNA position 80, C replaced by T.
Protein change: p.Thr27Met; replaces threonine 27 with methionine.
Molecular consequence: missense variant.
Genome position (GRCh38, 1-based): chr1:226,881,987, C>T. VCF-style: chr1-226881987-C-T. GRCh37 (hg19) VCF-style: chr1-227069688-C-T.
Other names: c.80C>T, p.Thr27Met (NM_012486.3); short protein forms T27M.
Identifiers: ClinVar variation 855512 (VCV000855512.8), dbSNP rs149354305, ClinGen allele CA1424382.
Genomic context (GRCh38, chr1:226,881,987, plus strand): 5'-CTGACAGCGAGGAAGAAGTGTGTGATGAGCGGACGTCCCTAATGTCGGCTGAGAGCCCCA[C>T]GCCGCGCTCCTGCCAGGAGGGCAGGCAGGGCCCAGAGGATGGAGAGAACACTGCCCAGTG-3'
Protein context (NP_000438.2, residues 17-37): RTSLMSAESP[Thr27Met]PRSCQEGRQG